The following is an entry in ClinVar:

NM_000553.6(WRN):c.2158C>G (p.Leu720Val)

Gene: WRN (WRN RecQ like helicase; plus strand). Cytogenetic location: 8p12.
Variant type: single nucleotide variant.
Coding change: c.2158C>G on transcript NM_000553.6 (MANE Select); coding-DNA position 2158, C replaced by G.
Protein change: p.Leu720Val; replaces leucine 720 with valine.
Molecular consequence: missense variant.
Genome position (GRCh38, 1-based): chr8:31,111,684, C>G. VCF-style: chr8-31111684-C-G. GRCh37 (hg19) VCF-style: chr8-30969200-C-G.
Other names: short protein forms L720V.
Identifiers: ClinVar variation 403995 (VCV000403995.5), dbSNP rs920563936, ClinGen allele CA16612604.

ClinVar aggregate classification (germline): Uncertain significance (1 of 4 stars; one submission).

Conditions:
Werner syndrome (WRN). Identifiers: Orphanet 902, MedGen C0043119, MONDO:0010196, OMIM 277700.

Allele frequency attached by ClinVar (database versions not stated): gnomAD exomes below 0.00001; gnomAD 0.00001; TOPMed 0.00002.
gnomAD v4.1: 3 of 1,613,980 alleles (0.00019%); highest among the groups gnomAD compares: African/African-American, 0.0027%; no homozygotes.

Submission:

Labcorp Genetics (formerly Invitae), Labcorp
Classification: Uncertain significance for Werner syndrome. Last evaluated: 2023-10-04. Review status: criteria provided, single submitter. Criteria: Invitae Variant Classification Sherloc (09022015). Collection method: clinical testing. Allele origin: germline.
Comment: This sequence change replaces leucine, which is neutral and non-polar, with valine, which is neutral and non-polar, at codon 720 of the WRN protein (p.Leu720Val). This variant is present in population databases (no rsID available, gnomAD 0.007%). This variant has not been reported in the literature in individuals affected with WRN-related conditions. ClinVar contains an entry for this variant (Variation ID: 403995). An algorithm developed to predict the effect of missense changes on protein structure and function (PolyPhen-2) suggests that this variant is likely to be disruptive. In summary, the available evidence is currently insufficient to determine the role of this variant in disease. Therefore, it has been classified as a Variant of Uncertain Significance.